The following is an entry in ClinVar:

NC_000016.9:g.(?_960911)_(961099_?)del

Gene: LMF1 (lipase maturation factor 1; minus strand). Cytogenetic location: 16p13.3.
Variant type: Deletion.
Identifiers: ClinVar variation 2426773 (VCV002426773.4).

ClinVar aggregate classification (germline): Pathogenic (1 of 4 stars; one submission).

Submission:

Labcorp Genetics (formerly Invitae), Labcorp
Classification: Pathogenic. Last evaluated: 2022-07-05. Review status: criteria provided, single submitter. Criteria: Invitae Variant Classification Sherloc (09022015). Collection method: clinical testing. Allele origin: germline.
Comment: For these reasons, this variant has been classified as Pathogenic. This variant has not been reported in the literature in individuals affected with LMF1-related conditions. This variant is a gross deletion of the genomic region encompassing exon(s) 4 of the LMF1 gene. This deletion is out-of-frame, and is expected to create a premature termination codon and result in an absent or disrupted protein product. Loss-of-function variants in LMF1 are known to be pathogenic (PMID: 17994020, 19820022, 22239554).

Literature cited by the submitters: PubMed 17994020; PubMed 19820022; PubMed 22239554.